The following is an entry in ClinVar:

NM_015474.4(SAMHD1):c.1442C>T (p.Ala481Val)

Gene: SAMHD1 (SAM and HD domain containing deoxynucleoside triphosphate triphosphohydrolase 1; minus strand). Cytogenetic location: 20q11.23.
Variant type: single nucleotide variant.
Coding change: c.1442C>T on transcript NM_015474.4 (MANE Select); coding-DNA position 1442, C replaced by T.
Protein change: p.Ala481Val; replaces alanine 481 with valine.
Molecular consequence: missense variant.
Genome position (GRCh38, 1-based): chr20:36,904,218, G>A on the plus strand (C>T on the coding strand, the complement: SAMHD1 is on the minus strand). VCF-style: chr20-36904218-G-A. GRCh37 (hg19) VCF-style: chr20-35532621-G-A.
Other names: c.1442C>T, p.Ala481Val (NM_001363729.2, NM_001363733.2); short protein forms A481V.
Identifiers: ClinVar variation 2078720 (VCV002078720.4), dbSNP rs2515227324, ClinGen allele CA408841366.

ClinVar aggregate classification (germline): Uncertain significance (1 of 4 stars; one submission).

Conditions:
Aicardi-Goutieres syndrome 5. Identifiers: Orphanet 51, MedGen C2749659, MONDO:0013059, OMIM 612952.

Submission:

Labcorp Genetics (formerly Invitae), Labcorp
Classification: Uncertain significance for Aicardi-Goutieres syndrome 5. Last evaluated: 2022-01-11. Review status: criteria provided, single submitter. Criteria: Invitae Variant Classification Sherloc (09022015). Collection method: clinical testing. Allele origin: germline.
Comment: In summary, the available evidence is currently insufficient to determine the role of this variant in disease. Therefore, it has been classified as a Variant of Uncertain Significance. Algorithms developed to predict the effect of missense changes on protein structure and function output the following: SIFT: "Tolerated"; PolyPhen-2: "Benign"; Align-GVGD: "Class C0". The valine amino acid residue is found in multiple mammalian species, which suggests that this missense change does not adversely affect protein function. This variant has not been reported in the literature in individuals affected with SAMHD1-related conditions. This variant is not present in population databases (gnomAD no frequency). This sequence change replaces alanine, which is neutral and non-polar, with valine, which is neutral and non-polar, at codon 481 of the SAMHD1 protein (p.Ala481Val).